The following is an entry in ClinVar:

NM_003235.5(TG):c.6209A>G (p.Asn2070Ser)

Gene: TG (thyroglobulin; plus strand). Cytogenetic location: 8q24.22.
Variant type: single nucleotide variant.
Coding change: c.6209A>G on transcript NM_003235.5 (MANE Select); coding-DNA position 6209, A replaced by G.
Protein change: p.Asn2070Ser; replaces asparagine 2070 with serine.
Molecular consequence: missense variant.
Genome position (GRCh38, 1-based): chr8:132,983,359, A>G. VCF-style: chr8-132983359-A-G. GRCh37 (hg19) VCF-style: chr8-133995604-A-G.
Other names: short protein forms N2070S.
Identifiers: ClinVar variation 2637173 (VCV002637173.2), dbSNP rs765651112, ClinGen allele CA4884833.

ClinVar aggregate classification (germline): Uncertain significance (1 of 4 stars; one submission).

Conditions:
TG-related disorder. Also called: TG-related condition; TG-related disorders.

Allele frequency attached by ClinVar (database versions not stated): ExAC 0.00001; gnomAD exomes 0.00001; TOPMed 0.00001.
gnomAD v4.1: 8 of 1,614,138 alleles (0.0005%); highest among the groups gnomAD compares: Admixed American, 0.005%; no homozygotes.

Submission:

PreventionGenetics, part of Exact Sciences
Classification: Uncertain significance for TG-related condition. Last evaluated: 2026-04-13. Review status: criteria provided, single submitter. Criteria: ACMG Guidelines, 2015. Collection method: clinical testing. Allele origin: germline.
Comment: The TG c.6209A>G variant is predicted to result in the amino acid substitution p.Asn2070Ser. To our knowledge, this variant has not been reported in the literature. This variant is reported in 0.0029% of alleles in individuals of Latino descent in gnomAD. At this time, the clinical significance of this variant is uncertain due to the absence of conclusive functional and genetic evidence.